The following is an entry in ClinVar:

ClinVar aggregate classification (germline): Uncertain significance. Review status: criteria provided, multiple submitters, no conflicts (2 of 4 stars). 2 submissions from 2 submitters: Uncertain significance (2). Last evaluated 2024-10-24.

Conditions:
Inborn genetic diseases. Identifiers: MedGen C0950123, MeSH D030342.

Submissions (2):

Ambry Genetics
Classification: Uncertain significance for Inborn genetic diseases. Last evaluated: 2024-10-24. Review status: criteria provided, single submitter. Criteria: Ambry Variant Classification Scheme 2023. Collection method: clinical testing. Allele origin: germline.

GeneDx
Classification: Uncertain significance. Last evaluated: 2021-11-01. Review status: criteria provided, single submitter. Criteria: GeneDx Variant Classification Process June 2021. Collection method: clinical testing. Allele origin: germline. Affected: yes.
Comment: Not observed at significant frequency in large population cohorts (gnomAD); In silico analysis supports that this missense variant does not alter protein structure/function; Has not been previously published as pathogenic or benign to our knowledge

NM_007118.4(TRIO):c.4918A>G (p.Ile1640Val)

Genes: TRIO (trio Rho guanine nucleotide exchange factor; plus strand), LOC126807322 (P300/CBP strongly-dependent group 1 enhancer GRCh37_chr5:14406263-14407462; plus strand). Cytogenetic location: 5p15.2.
Variant type: single nucleotide variant.
Coding change: c.4918A>G on transcript NM_007118.4 (MANE Select); coding-DNA position 4918, A replaced by G.
Protein change: p.Ile1640Val; replaces isoleucine 1640 with valine.
Molecular consequence: missense variant. On other transcripts: non-coding transcript variant (1).
Genome position (GRCh38, 1-based): chr5:14,406,631, A>G. VCF-style: chr5-14406631-A-G. GRCh37 (hg19) VCF-style: chr5-14406740-A-G.
Other names: short protein forms I1640V.
Identifiers: ClinVar variation 1683889 (VCV001683889.3), dbSNP rs2152380871, ClinGen allele CA359199295.